The following is an entry in ClinVar:

ClinVar aggregate classification (germline): Likely benign. Review status: criteria provided, multiple submitters, no conflicts (2 of 4 stars). 13 submissions from 13 submitters: Likely benign (8). 5 of the submissions do not count toward it. Last evaluated 2026-04-01.

Conditions:
Desbuquois dysplasia 1 (DBQD1). Also called: MICROMELIC DWARFISM WITH VERTEBRAL AND METAPHYSEAL ABNORMALITIES AND ADVANCED CARPOTARSAL OSSIFICATION; DESBUQUOIS DYSPLASIA 1, KIM VARIANT. Identifiers: Orphanet 1425, MedGen C4012146, MONDO:0009629, OMIM 251450.
XYLT1-related disorder. Also called: XYLT1-related condition.
Autosomal recessive inherited pseudoxanthoma elasticum (PXE). Identifiers: Orphanet 758, MedGen CN032334, MONDO:0009925, OMIM 264800.
Desbuquois dysplasia 2 (DBQD2). Also called: Baratela-Scott syndrome. Identifiers: Orphanet 1425, MedGen C4014294, MONDO:0014343, OMIM 615777.

Allele frequency attached by ClinVar (database versions not stated): 1000 Genomes Project 0.00060; 1000 Genomes Project 30x 0.00062; gnomAD 0.00132 and 0.00141; TOPMed 0.00132; ESP Exome Variant Server 0.00154; ExAC 0.00168; gnomAD exomes 0.00177 and 0.00198.
gnomAD v4.1: 3,117 of 1,612,642 alleles (0.19%); highest among the groups gnomAD compares: Middle Eastern, 0.95%; 9 homozygotes.

Submissions (22):

CeGaT Center for Human Genetics Tuebingen
Classification: Likely benign. Last evaluated: 2026-04-01. Review status: criteria provided, single submitter. Criteria: CeGaT Center For Human Genetics Tuebingen Variant Classification Criteria Version 2. Collection method: clinical testing. Allele origin: germline. Affected: yes. Observed: 3 variant alleles.
Comment: XYLT1: BP4, BS2

Labcorp Genetics (formerly Invitae), Labcorp
Classification: Likely benign for Desbuquois dysplasia 1. Last evaluated: 2026-01-27. Review status: criteria provided, single submitter. Criteria: Invitae Variant Classification Sherloc (09022015). Collection method: clinical testing. Allele origin: germline.

Mayo Clinic Laboratories, Mayo Clinic
Classification: Likely benign. Last evaluated: 2025-08-27. Review status: criteria provided, single submitter. Criteria: ACMG Guidelines, 2015. Collection method: clinical testing. Allele origin: germline. Observed: 1 variant allele.
Comment: BA1, BP4, BP5, BP7

Genomic Medicine Center of Excellence, King Faisal Specialist Hospital and Research Centre
Classification: Likely benign. Last evaluated: 2025-08-18. Review status: criteria provided, single submitter. Criteria: ACMG Guidelines, 2015. Collection method: clinical testing. Allele origin: germline.

Blueprint Genetics
Classification: Likely benign. Last evaluated: 2024-11-13. Review status: criteria provided, single submitter. Criteria: ACMG Guidelines, 2015. Collection method: clinical testing. Allele origin: germline.

Fulgent Genetics
Classification: Likely benign for Autosomal recessive inherited pseudoxanthoma elasticum; Desbuquois dysplasia 2. Last evaluated: 2021-11-26. Review status: criteria provided, single submitter. Criteria: ACMG Guidelines, 2015. Collection method: clinical testing. Allele origin: unknown.

GeneDx
Classification: Likely benign. Last evaluated: 2020-07-29. Review status: criteria provided, single submitter. Criteria: GeneDx Variant Classification Process June 2021. Collection method: clinical testing. Allele origin: germline. Affected: yes.
Comment: This variant is associated with the following publications: (PMID: 31589614, 30919572, 24581741, 28462984, 27881841)

Breakthrough Genomics
Classification: Likely benign. Review status: criteria provided, single submitter. Criteria: ACMG Guidelines, 2015. Collection method: not provided. Allele origin: germline. Inheritance: Autosomal recessive inheritance. Affected: yes.

PreventionGenetics, part of Exact Sciences
Classification: Likely benign for XYLT1-related condition. Last evaluated: 2024-08-12. Review status: no assertion criteria provided. Collection method: clinical testing. Allele origin: germline. Not counted in ClinVar's aggregate classification.
Comment: This variant is classified as likely benign based on ACMG/AMP sequence variant interpretation guidelines (Richards et al. 2015 PMID: 25741868, with internal and published modifications).

Reproductive Health Research and Development, BGI Genomics
Classification: Uncertain significance for Desbuquois dysplasia 2. Last evaluated: 2020-01-06. Review status: no assertion criteria provided. Collection method: curation. Allele origin: germline. Not counted in ClinVar's aggregate classification.
Comment: NG_015843.1(NM_022166.3):c.1588-3C>T in XYLT1 gene has an allele frequency of 0.006 in Ashkenazi Jewish subpopulation in the gnomAD database. 3 homozygous occurrences are observed in the gnomAD database. This variant has been detected in an individual with Desbuquois dysplasia 2 (PMID: 24581741). Benign computational verdict because benign prediction from DANN. The available evidence is currently insufficient to determine the role of this variant in disease. We interpret it as variant of uncertain significance (VUS). ACMG/AMP criteria applied: PP3; PP4.

OMIM
Classification: Pathogenic for DESBUQUOIS DYSPLASIA 2. Last evaluated: 2014-03-06. Review status: no assertion criteria provided. Collection method: literature only. Allele origin: germline. Not counted in ClinVar's aggregate classification.

Clinical Genetics DNA and cytogenetics Diagnostics Lab, Erasmus MC, Erasmus Medical Center
Classification: Likely benign. Review status: no assertion criteria provided. Collection method: clinical testing. Allele origin: germline. Affected: yes. Study: VKGL Data-share Consensus. Not counted in ClinVar's aggregate classification.

Dr. Peter K. Rogan Lab, Western University
No classification provided (evidence only). Condition: Familial cancer of breast. Review status: no classification provided. Collection method: in vitro. Allele origin: not applicable. Functional consequence: retained intron. Not counted in ClinVar's aggregate classification.

Dr. Peter K. Rogan Lab, Western University
No classification provided (evidence only). Condition: Colon adenocarcinoma. Review status: no classification provided. Collection method: in vitro. Allele origin: not applicable. Functional consequence: retained intron. Not counted in ClinVar's aggregate classification.

Dr. Peter K. Rogan Lab, Western University
No classification provided (evidence only). Condition: Cervical cancer. Review status: no classification provided. Collection method: in vitro. Allele origin: not applicable. Functional consequence: retained intron. Not counted in ClinVar's aggregate classification.

Dr. Peter K. Rogan Lab, Western University
No classification provided (evidence only). Condition: Cervical cancer. Review status: no classification provided. Collection method: in vitro. Allele origin: not applicable. Functional consequence: retained intron. Not counted in ClinVar's aggregate classification.

Dr. Peter K. Rogan Lab, Western University
No classification provided (evidence only). Condition: Ovarian serous cystadenocarcinoma. Review status: no classification provided. Collection method: in vitro. Allele origin: not applicable. Functional consequence: retained intron. Not counted in ClinVar's aggregate classification.

Dr. Peter K. Rogan Lab, Western University
No classification provided (evidence only). Condition: Gastric cancer. Review status: no classification provided. Collection method: in vitro. Allele origin: not applicable. Functional consequence: retained intron. Not counted in ClinVar's aggregate classification.

Dr. Peter K. Rogan Lab, Western University
No classification provided (evidence only). Condition: Gastric cancer. Review status: no classification provided. Collection method: in vitro. Allele origin: not applicable. Functional consequence: retained intron. Not counted in ClinVar's aggregate classification.

Dr. Peter K. Rogan Lab, Western University
No classification provided (evidence only). Condition: Adrenocortical carcinoma, hereditary. Review status: no classification provided. Collection method: in vitro. Allele origin: not applicable. Functional consequence: retained intron. Not counted in ClinVar's aggregate classification.

Dr. Peter K. Rogan Lab, Western University
No classification provided (evidence only). Condition: Malignant tumor of esophagus. Review status: no classification provided. Collection method: in vitro. Allele origin: not applicable. Functional consequence: retained intron. Not counted in ClinVar's aggregate classification.

Laboratory of Diagnostic Genome Analysis, Leiden University Medical Center (LUMC)
Classification: Likely benign. Review status: no assertion criteria provided. Collection method: clinical testing. Allele origin: germline. Affected: yes. Study: VKGL Data-share Consensus. Not counted in ClinVar's aggregate classification.

Literature cited by the submitters: PubMed 24581741 (cited by Mayo Clinic Laboratories, Mayo Clinic and OMIM); PubMed 30919572 (cited by Mayo Clinic Laboratories, Mayo Clinic); PubMed 39273648 (cited by Mayo Clinic Laboratories, Mayo Clinic).

NM_022166.4(XYLT1):c.1588-3C>T

Genes: XYLT1 (xylosyltransferase 1; minus strand), LOC102723692 (uncharacterized LOC102723692; plus strand). Cytogenetic location: 16p12.3.
Variant type: single nucleotide variant.
Coding change: c.1588-3C>T on transcript NM_022166.4 (MANE Select); 3 bases into the intron before coding-DNA position 1588, C replaced by T.
Molecular consequence: intron variant. On other transcripts: non-coding transcript variant (1).
Genome position (GRCh38, 1-based): chr16:17,138,534, G>A on the plus strand (C>T on the coding strand, the complement: XYLT1 is on the minus strand). VCF-style: chr16-17138534-G-A. GRCh37 (hg19) VCF-style: chr16-17232391-G-A.
Other names: p.?; IVS7, C-T, -3.
Identifiers: ClinVar variation 127238 (VCV000127238.45), dbSNP rs201818754, ClinGen allele CA151428.
Genomic context (GRCh38, chr16:17,138,534, plus strand): 5'-TGTTGTCCACCATGGTGTCGCAGTGGGGGCTGTTCTCCAGGACCGTATGGAAGAAGGACT[G>A]CAGGGGAGAGAGGGACCCAGCCTGAGACCTCTCCCAGCCTCCCACAGATGAACTGGGGTG-3'